The following is an entry in ClinVar:

NM_000548.5(TSC2):c.4100G>A (p.Gly1367Asp)

Gene: TSC2 (TSC complex subunit 2; plus strand). Cytogenetic location: 16p13.3.
Variant type: single nucleotide variant.
Coding change: c.4100G>A on transcript NM_000548.5 (MANE Select); coding-DNA position 4100, G replaced by A.
Protein change: p.Gly1367Asp; replaces glycine 1367 with aspartic acid.
Molecular consequence: missense variant.
Genome position (GRCh38, 1-based): chr16:2,084,322, G>A. VCF-style: chr16-2084322-G-A. GRCh37 (hg19) VCF-style: chr16-2134323-G-A.
Other names: c.3899G>A, p.Gly1300Asp (NM_001077183.3); c.4031G>A, p.Gly1344Asp (NM_001114382.3); c.3791G>A, p.Gly1264Asp (NM_001318827.2); c.3755G>A, p.Gly1252Asp (NM_001318829.2); c.3368G>A, p.Gly1123Asp (NM_001318831.2); c.3932G>A, p.Gly1311Asp (NM_001318832.2); c.3902G>A, p.Gly1301Asp (NM_001363528.2); c.3968G>A, p.Gly1323Asp (NM_001370404.1); and 1 more; short protein forms G1123D, G1311D, G1344D, G1252D, G1367D, G1264D, G1300D, G1301D.
Identifiers: ClinVar variation 656711 (VCV000656711.12), dbSNP rs1460776110, ClinGen allele CA394299479.
Genomic context (GRCh38, chr16:2,084,322, plus strand): 5'-TCCACGCGGAGGAGCTGGTTGGCAGGGGCATCCCCATCGAGCGAGTCGTCTCCTCGGAGG[G>A]TGGCCGGCCCTCTGTGGACCTCTCCTTCCAGCCCTCGCAGCCCCTGAGCAAGTCCAGCTC-3'
Protein context (NP_000539.2, residues 1357-1377): IPIERVVSSE[Gly1367Asp]GRPSVDLSFQ

ClinVar aggregate classification (germline): Conflicting classifications of pathogenicity. Review status: criteria provided, conflicting classifications (1 of 4 stars). 3 submissions from 3 submitters: Uncertain significance (2); Benign (1). Last evaluated 2025-09-11.

Conditions:
Hereditary cancer-predisposing syndrome. Also called: Neoplastic Syndromes, Hereditary; Hereditary neoplastic syndrome; Hereditary Cancer Syndrome; Tumor predisposition. Identifiers: Orphanet 140162, MedGen C0027672, MeSH D009386, MONDO:0015356.
Isolated focal cortical dysplasia type II (FCORD2). Also called: Focal cortical dysplasia type II; CORTICAL DYSPLASIA OF TAYLOR. Identifiers: Orphanet 268994, MedGen C1846385, MONDO:0011818, OMIM 607341, HP:0032051.
Tuberous sclerosis 2 (TSC2). Identifiers: Orphanet 805, MedGen C1860707, MONDO:0013199, OMIM 613254.

Allele frequency attached by ClinVar (database versions not stated): gnomAD exomes below 0.00001.
gnomAD v4.1: 2 of 1,612,738 alleles (0.00012%); highest among the groups gnomAD compares: Admixed American, 0.0033%; no homozygotes.

Submissions (3):

Ambry Genetics
Classification: Uncertain significance for Hereditary cancer-predisposing syndrome. Last evaluated: 2025-09-11. Review status: criteria provided, single submitter. Criteria: Ambry Variant Classification Scheme 2023. Collection method: clinical testing. Allele origin: germline.
Comment: The p.G1367D variant (also known as c.4100G>A), located in coding exon 33 of the TSC2 gene, results from a G to A substitution at nucleotide position 4100. The glycine at codon 1367 is replaced by aspartic acid, an amino acid with similar properties. This amino acid position is conserved. In addition, the in silico prediction for this alteration is inconclusive. Since supporting evidence is limited at this time, the clinical significance of this alteration remains unclear.

Labcorp Genetics (formerly Invitae), Labcorp
Classification: Benign for Tuberous sclerosis 2. Last evaluated: 2024-09-23. Review status: criteria provided, single submitter. Criteria: Invitae Variant Classification Sherloc (09022015). Collection method: clinical testing. Allele origin: germline.

Baylor Genetics
Classification: Uncertain significance for Isolated focal cortical dysplasia type II. Last evaluated: 2023-12-22. Review status: criteria provided, single submitter. Criteria: ACMG Guidelines, 2015. Collection method: clinical testing. Allele origin: unknown.